The following is an entry in ClinVar:

NM_001458.5(FLNC):c.5064_5084dup (p.Leu1690_Glu1696dup)

Gene: FLNC (filamin C; plus strand). Cytogenetic location: 7q32.1.
Variant type: Duplication.
Coding change: c.5064_5084dup on transcript NM_001458.5 (MANE Select); coding-DNA positions 5064 to 5084, 21 bases duplicated (AGAGCTCGATGTGGATGTGGT).
Protein change: p.Leu1690_Glu1696dup.
Molecular consequence: inframe insertion.
Genome position (GRCh38, 1-based): chr7:128,849,443-128,849,463, AGAGCTCGATGTGGATGTGGT duplicated. VCF-style (leftmost placement, unchanged base first): chr7-128849442-C-CAGAGCTCGATGTGGATGTGGT. GRCh37 (hg19) VCF-style: chr7-128489496-C-CAGAGCTCGATGTGGATGTGGT.
Other names: c.5064_5084dup, p.Leu1690_Glu1696dup (NM_001127487.2).
Identifiers: ClinVar variation 1023351 (VCV001023351.10), dbSNP rs1808713133, ClinGen allele CA1742564518.

ClinVar aggregate classification (germline): Uncertain significance (1 of 4 stars; one submission).

Conditions:
Distal myopathy with posterior leg and anterior hand involvement. Also called: WILLIAMS DISTAL MYOPATHY. Identifiers: Orphanet 63273, MedGen C3279722, MONDO:0013550, OMIM 614065.
Hypertrophic cardiomyopathy 26. Also called: Cardiomyopathy, familial hypertrophic, 26. Identifiers: Orphanet 75249, MedGen C4310749, MONDO:0014883, OMIM 617047.
Myofibrillar myopathy 5. Also called: FILAMINOPATHY, AUTOSOMAL DOMINANT; Filaminopathy (type). Identifiers: Orphanet 171445, MedGen C1836050, MONDO:0012289, OMIM 609524.

Submission:

Labcorp Genetics (formerly Invitae), Labcorp
Classification: Uncertain significance for Distal myopathy with posterior leg and anterior hand involvement; Myofibrillar myopathy 5; Hypertrophic cardiomyopathy 26. Last evaluated: 2020-03-02. Review status: criteria provided, single submitter. Criteria: Invitae Variant Classification Sherloc (09022015). Collection method: clinical testing. Allele origin: germline.
Comment: This variant, c.5064_5084dup, results in the insertion of 7 amino acid(s) to the FLNC protein (p.Leu1690_Glu1696dup), but otherwise preserves the integrity of the reading frame. This variant is not present in population databases (ExAC no frequency). This variant has not been reported in the literature in individuals with FLNC-related conditions. Experimental studies and prediction algorithms are not available or were not evaluated, and the functional significance of this variant is currently unknown. In summary, the available evidence is currently insufficient to determine the role of this variant in disease. Therefore, it has been classified as a Variant of Uncertain Significance.